The following is an entry in ClinVar:

ClinVar aggregate classification (germline): Uncertain significance (1 of 4 stars; one submission).

gnomAD v4.1: 1 of 1,543,120 alleles (0.000065%); highest among the groups gnomAD compares: Non-Finnish European, 0.000089%; no homozygotes.

Submission:

Labcorp Genetics (formerly Invitae), Labcorp
Classification: Uncertain significance. Last evaluated: 2024-10-07. Review status: criteria provided, single submitter. Criteria: Invitae Variant Classification Sherloc (09022015). Collection method: clinical testing. Allele origin: germline.
Comment: This sequence change falls in intron 4 of the PPP1CB gene. It does not directly change the encoded amino acid sequence of the PPP1CB protein. It affects a nucleotide within the consensus splice site. This variant is not present in population databases (gnomAD no frequency). This variant has not been reported in the literature in individuals affected with PPP1CB-related conditions. Variants that disrupt the consensus splice site are a relatively common cause of aberrant splicing (PMID: 17576681, 9536098). Algorithms developed to predict the effect of sequence changes on RNA splicing suggest that this variant is not likely to affect RNA splicing. In summary, the available evidence is currently insufficient to determine the role of this variant in disease. Therefore, it has been classified as a Variant of Uncertain Significance.

Literature cited by the submitters: PubMed 17576681; PubMed 9536098.

NM_002709.3(PPP1CB):c.415+3A>G

Gene: PPP1CB (protein phosphatase 1 catalytic subunit beta; plus strand). Cytogenetic location: 2p23.2.
Variant type: single nucleotide variant.
Coding change: c.415+3A>G on transcript NM_002709.3 (MANE Select); 3 bases into the intron after coding-DNA position 415, A replaced by G.
Molecular consequence: intron variant.
Genome position (GRCh38, 1-based): chr2:28,779,042, A>G. VCF-style: chr2-28779042-A-G. GRCh37 (hg19) VCF-style: chr2-29001908-A-G.
Other names: c.415+3A>G (NM_206876.2).
Identifiers: ClinVar variation 3662942 (VCV003662942.2).